The following is an entry in ClinVar:

ClinVar aggregate classification (germline): Uncertain significance. Review status: criteria provided, multiple submitters, no conflicts (2 of 4 stars). 2 submissions from 2 submitters: Uncertain significance (2). Last evaluated 2025-05-28.

gnomAD v4.1: 3 of 1,613,922 alleles (0.00019%); highest among the groups gnomAD compares: Non-Finnish European, 0.00017%; no homozygotes.

Submissions (2):

GeneDx
Classification: Uncertain significance. Last evaluated: 2025-05-28. Review status: criteria provided, single submitter. Criteria: GeneDx Variant Classification Process June 2021. Collection method: clinical testing. Allele origin: germline. Affected: yes.
Comment: Not observed at significant frequency in large population cohorts (gnomAD); In silico analysis supports that this missense variant has a deleterious effect on protein structure/function; This variant is associated with the following publications: (PMID: 25765472, 31402444)

Blueprint Genetics
Classification: Uncertain significance. Last evaluated: 2023-06-06. Review status: criteria provided, single submitter. Criteria: ACMG Guidelines, 2015. Collection method: clinical testing. Allele origin: germline.

NM_024422.6(DSC2):c.527C>T (p.Pro176Leu)

Gene: DSC2 (desmocollin 2; minus strand). Cytogenetic location: 18q12.1.
Variant type: single nucleotide variant.
Coding change: c.527C>T on transcript NM_024422.6 (MANE Select); coding-DNA position 527, C replaced by T.
Protein change: p.Pro176Leu; replaces proline 176 with leucine.
Molecular consequence: missense variant.
Genome position (GRCh38, 1-based): chr18:31,089,542, G>A on the plus strand (C>T on the coding strand, the complement: DSC2 is on the minus strand). VCF-style: chr18-31089542-G-A. GRCh37 (hg19) VCF-style: chr18-28669505-G-A.
Other names: c.98C>T, p.Pro33Leu (NM_001406506.1, NM_001406507.1); c.527C>T, p.Pro176Leu (NM_004949.5); short protein forms P176L, P33L.
Identifiers: ClinVar variation 4532323 (VCV004532323.2).